The following is an entry in ClinVar:

NM_001324418.2(ADAM22):c.1743T>C (p.Gly581=)

Gene: ADAM22 (ADAM metallopeptidase domain 22; plus strand). Cytogenetic location: 7q21.12.
Variant type: single nucleotide variant.
Coding change: c.1743T>C on transcript NM_001324418.2 (MANE Select); coding-DNA position 1743, T replaced by C.
Protein change: p.Gly581=; no amino-acid change (glycine 581 retained).
Molecular consequence: synonymous variant.
Genome position (GRCh38, 1-based): chr7:88,153,282, T>C. VCF-style: chr7-88153282-T-C. GRCh37 (hg19) VCF-style: chr7-87782597-T-C.
Other names: c.1740T>C, p.Gly580= (NM_001324417.2, NM_001324419.2, NM_001391978.1 and 2 more transcripts); c.1743T>C, p.Gly581= (NM_001324420.2, NM_001324421.2, NM_001391976.1 and 6 more transcripts); c.1794T>C, p.Gly598= (NM_001391975.1, NM_001391980.1); c.1719T>C, p.Gly573= (NM_001391982.1).
Identifiers: ClinVar variation 3043175 (VCV003043175.3), dbSNP rs752361155, ClinGen allele CA4330641.

ClinVar aggregate classification (germline): Likely benign. Review status: criteria provided, single submitter (1 of 4 stars). 2 submissions from 2 submitters: Likely benign (1). 1 of the submissions does not count toward it. Last evaluated 2024-11-13.

Conditions:
ADAM22-related disorder. Also called: ADAM22-related condition.

Allele frequency attached by ClinVar (database versions not stated): gnomAD 0.00004; gnomAD exomes 0.00009; ExAC 0.00016.
gnomAD v4.1: 145 of 1,613,154 alleles (0.009%); highest among the groups gnomAD compares: South Asian, 0.15%; 4 homozygotes.

Submissions (2):

Blueprint Genetics
Classification: Likely benign. Last evaluated: 2024-11-13. Review status: criteria provided, single submitter. Criteria: ACMG Guidelines, 2015. Collection method: clinical testing. Allele origin: germline.

PreventionGenetics, part of Exact Sciences
Classification: Likely benign for ADAM22-related condition. Last evaluated: 2019-06-28. Review status: no assertion criteria provided. Collection method: clinical testing. Allele origin: germline. Not counted in ClinVar's aggregate classification.
Comment: This variant is classified as likely benign based on ACMG/AMP sequence variant interpretation guidelines (Richards et al. 2015 PMID: 25741868, with internal and published modifications).